The following is an entry in ClinVar:

NM_001204.7(BMPR2):c.1469C>T (p.Ala490Val)

Gene: BMPR2 (bone morphogenetic protein receptor type 2; plus strand). Cytogenetic location: 2q33.2.
Variant type: single nucleotide variant.
Coding change: c.1469C>T on transcript NM_001204.7 (MANE Select); coding-DNA position 1469, C replaced by T.
Protein change: p.Ala490Val; replaces alanine 490 with valine.
Molecular consequence: missense variant.
Genome position (GRCh38, 1-based): chr2:202,552,771, C>T. VCF-style: chr2-202552771-C-T. GRCh37 (hg19) VCF-style: chr2-203417494-C-T.
Other names: c.1469C>T, p.A490V (LRG_712t1); short protein forms A490V.
Identifiers: ClinVar variation 264653 (VCV000264653.2), dbSNP rs886039222, ClinGen allele CA10587995.

ClinVar aggregate classification (germline): Pathogenic. Review status: criteria provided, single submitter (1 of 4 stars). 3 submissions from 3 submitters: Pathogenic (1). 2 of the submissions do not count toward it. Last evaluated 2025-03-31.

Conditions:
Primary pulmonary hypertension. Also called: Idiopathic pulmonary hypertension. Identifiers: MedGen C0152171.
Pulmonary hypertension, primary, 1 (PPH1). Also called: Pulmonary hypertension, familial primary, 1, with or without HHT. Identifiers: Orphanet 422, MedGen C4552070, MONDO:0024533, OMIM 178600.

Submissions (3):

Labcorp Genetics (formerly Invitae), Labcorp
Classification: Pathogenic for Primary pulmonary hypertension. Last evaluated: 2025-03-31. Review status: criteria provided, single submitter. Criteria: Invitae Variant Classification Sherloc (09022015). Collection method: clinical testing. Allele origin: germline.
Comment: This sequence change replaces alanine, which is neutral and non-polar, with valine, which is neutral and non-polar, at codon 490 of the BMPR2 protein (p.Ala490Val). This variant is not present in population databases (gnomAD no frequency). This missense change has been observed in individuals with pulmonary hypertension (PMID: 16429395, 28388887, 30578397). ClinVar contains an entry for this variant (Variation ID: 264653). Invitae Evidence Modeling of protein sequence and biophysical properties (such as structural, functional, and spatial information, amino acid conservation, physicochemical variation, residue mobility, and thermodynamic stability) indicates that this missense variant is expected to disrupt BMPR2 protein function with a positive predictive value of 95%. For these reasons, this variant has been classified as Pathogenic.

Center for Genomic Medicine, Kyoto University Graduate School of Medicine
Classification: Pathogenic for Pulmonary hypertension, primary, 1. Last evaluated: 2016-07-11. Review status: no assertion criteria provided. Collection method: clinical testing. Allele origin: germline. Affected: yes. Not counted in ClinVar's aggregate classification.

Rare Disease Genomics Group, St George's University of London
Classification: Pathogenic for Primary pulmonary hypertension. Review status: no assertion criteria provided. Collection method: literature only. Allele origin: germline. Affected: yes. Not counted in ClinVar's aggregate classification.

Literature cited by the submitters: PubMed 16429395 (cited by Labcorp Genetics (formerly Invitae), Labcorp and Rare Disease Genomics Group, St George's University of London); PubMed 28388887 (cited by Labcorp Genetics (formerly Invitae), Labcorp); PubMed 30578397 (cited by Labcorp Genetics (formerly Invitae), Labcorp); PubMed 16717148 (cited by Rare Disease Genomics Group, St George's University of London).